The following is an entry in ClinVar:

ClinVar aggregate classification (germline): Uncertain significance (1 of 4 stars; one submission).

gnomAD v4.1: 2 of 1,607,442 alleles (0.00012%); highest among the groups gnomAD compares: Admixed American, 0.0033%; no homozygotes.

Submission:

Labcorp Genetics (formerly Invitae), Labcorp
Classification: Uncertain significance. Last evaluated: 2023-10-03. Review status: criteria provided, single submitter. Criteria: Invitae Variant Classification Sherloc (09022015). Collection method: clinical testing. Allele origin: germline.
Comment: This sequence change falls in intron 8 of the PRPF4 gene. It does not directly change the encoded amino acid sequence of the PRPF4 protein. It affects a nucleotide within the consensus splice site. This variant is not present in population databases (gnomAD no frequency). This variant has not been reported in the literature in individuals affected with PRPF4-related conditions. ClinVar contains an entry for this variant (Variation ID: 1422092). Variants that disrupt the consensus splice site are a relatively common cause of aberrant splicing (PMID: 17576681, 9536098). Algorithms developed to predict the effect of sequence changes on RNA splicing suggest that this variant is not likely to affect RNA splicing. In summary, the available evidence is currently insufficient to determine the role of this variant in disease. Therefore, it has been classified as a Variant of Uncertain Significance.

Literature cited by the submitters: PubMed 17576681; PubMed 9536098.

NM_001244926.2(PRPF4):c.808+4A>C

Gene: PRPF4 (pre-mRNA splicing tri-snRNP complex factor PRPF4; plus strand). Cytogenetic location: 9q32.
Variant type: single nucleotide variant.
Coding change: c.808+4A>C on transcript NM_001244926.2 (MANE Select); 4 bases into the intron after coding-DNA position 808, A replaced by C.
Molecular consequence: intron variant.
Genome position (GRCh38, 1-based): chr9:113,286,294, A>C. VCF-style: chr9-113286294-A-C. GRCh37 (hg19) VCF-style: chr9-116048574-A-C.
Other names: c.82+4A>C (NM_001322267.2, NM_001322266.2); c.811+4A>C (NM_004697.5).
Identifiers: ClinVar variation 1422092 (VCV001422092.7), dbSNP rs1323632331, ClinGen allele CA2573143783.
Genomic context (GRCh38, chr9:113,286,294, plus strand): 5'-GTGGGCTTTGCAAGCTCTGGTCTGTTCCTGATTGCAACCTCCTTCACACTCTTCGAGGTA[A>C]GTTAGAGTCTTATCCAAATCTCGGTCTTTTTCCCAGTGTGAACTCAGTTAAGCCTTAAAC-3'